The following is an entry in ClinVar:

ClinVar aggregate classification (germline): Uncertain significance (1 of 4 stars; one submission).

Submission:

GeneDx
Classification: Uncertain significance. Last evaluated: 2026-03-05. Review status: criteria provided, single submitter. Criteria: GeneDx Variant Classification Process June 2021. Collection method: clinical testing. Allele origin: germline.
Comment: Not observed at significant frequency in large population cohorts (gnomAD); In silico analysis suggests that this missense variant does not alter protein structure/function; Has not been previously published as pathogenic or benign to our knowledge

NM_001162501.2(TNRC6B):c.892G>T (p.Gly298Cys)

Gene: TNRC6B (trinucleotide repeat containing adaptor 6B; plus strand). Cytogenetic location: 22q13.1.
Variant type: single nucleotide variant.
Coding change: c.892G>T on transcript NM_001162501.2 (MANE Select); coding-DNA position 892, G replaced by T.
Protein change: p.Gly298Cys; replaces glycine 298 with cysteine.
Molecular consequence: missense variant. On other transcripts: intron variant (1).
Genome position (GRCh38, 1-based): chr22:40,265,122, G>T. VCF-style: chr22-40265122-G-T. GRCh37 (hg19) VCF-style: chr22-40661126-G-T.
Other names: c.892G>T, p.Gly298Cys (NM_015088.3); c.565+2949G>T (NM_001024843.2); short protein forms G298C.
Identifiers: ClinVar variation 5009915 (VCV005009915.1).